The following is an entry in ClinVar:

ClinVar aggregate classification (germline): Likely benign. Review status: criteria provided, multiple submitters, no conflicts (2 of 4 stars). 3 submissions from 3 submitters: Likely benign (2). 1 of the submissions does not count toward it. Last evaluated 2025-11-19.

Conditions:
NPHP4-related disorder. Also called: NPHP4-related disorders; NPHP4-related condition. Identifiers: MedGen CN239384.
Nephronophthisis. Also called: Juvenile Nephronophthisis. Identifiers: Orphanet 655, MedGen C0687120, MONDO:0019005, HP:0000090.

Allele frequency attached by ClinVar (database versions not stated): gnomAD exomes 0.00002 and 0.00006; ExAC 0.00003; gnomAD 0.00005; TOPMed 0.00006; 1000 Genomes Project 30x 0.00031.
gnomAD v4.1: 34 of 1,613,862 alleles (0.0021%); highest among the groups gnomAD compares: East Asian, 0.033%; no homozygotes.

Submissions (3):

Labcorp Genetics (formerly Invitae), Labcorp
Classification: Likely benign for Nephronophthisis. Last evaluated: 2025-11-19. Review status: criteria provided, single submitter. Criteria: Invitae Variant Classification Sherloc (09022015). Collection method: clinical testing. Allele origin: germline.

Blueprint Genetics
Classification: Likely benign. Last evaluated: 2023-06-13. Review status: criteria provided, single submitter. Criteria: ACMG Guidelines, 2015. Collection method: clinical testing. Allele origin: germline.

PreventionGenetics, part of Exact Sciences
Classification: Likely benign for NPHP4-related condition. Last evaluated: 2024-08-19. Review status: no assertion criteria provided. Collection method: clinical testing. Allele origin: germline. Not counted in ClinVar's aggregate classification.
Comment: This variant is classified as likely benign based on ACMG/AMP sequence variant interpretation guidelines (Richards et al. 2015 PMID: 25741868, with internal and published modifications).

NM_015102.5(NPHP4):c.33C>T (p.Asn11=)

Gene: NPHP4 (nephrocystin 4; minus strand). Cytogenetic location: 1p36.31.
Variant type: single nucleotide variant.
Coding change: c.33C>T on transcript NM_015102.5 (MANE Select); coding-DNA position 33, C replaced by T.
Protein change: p.Asn11=; no amino-acid change (asparagine 11 retained).
Molecular consequence: synonymous variant. On other transcripts: 5 prime UTR variant (1), non-coding transcript variant (1), intron variant (1).
Genome position (GRCh38, 1-based): chr1:5,986,257, G>A on the plus strand (C>T on the coding strand, the complement: NPHP4 is on the minus strand). VCF-style: chr1-5986257-G-A. GRCh37 (hg19) VCF-style: chr1-6046317-G-A.
Other names: c.-1197C>T (NM_001291593.2); c.-1088+5987C>T (NM_001291594.2); c.33C>T (NM_015102.4).
Identifiers: ClinVar variation 1156207 (VCV001156207.11), dbSNP rs746542667, ClinGen allele CA554962.